The following is an entry in ClinVar:

ClinVar aggregate classification (germline): Likely benign (1 of 4 stars; one submission).

Allele frequency attached by ClinVar (database versions not stated): 1000 Genomes Project 0.00100; 1000 Genomes Project 30x 0.00141; ESP Exome Variant Server 0.00425.
gnomAD v4.1: 7,406 of 1,474,600 alleles (0.5%); highest among the groups gnomAD compares: Non-Finnish European, 0.61%; 28 homozygotes.

Submission:

CeGaT Center for Human Genetics Tuebingen
Classification: Likely benign. Last evaluated: 2022-11-01. Review status: criteria provided, single submitter. Criteria: CeGaT Center For Human Genetics Tuebingen Variant Classification Criteria Version 2. Collection method: clinical testing. Allele origin: germline. Affected: yes. Observed: 1 variant allele.
Comment: SGPP1: BP4, BP7, BS2

NM_030791.4(SGPP1):c.327C>T (p.Arg109=)

Gene: SGPP1 (sphingosine-1-phosphate phosphatase 1; minus strand). Cytogenetic location: 14q23.2.
Variant type: single nucleotide variant.
Coding change: c.327C>T on transcript NM_030791.4 (MANE Select); coding-DNA position 327, C replaced by T.
Protein change: p.Arg109=; no amino-acid change (arginine 109 retained).
Molecular consequence: synonymous variant.
Genome position (GRCh38, 1-based): chr14:63,727,618, G>A on the plus strand (C>T on the coding strand, the complement: SGPP1 is on the minus strand). VCF-style: chr14-63727618-G-A. GRCh37 (hg19) VCF-style: chr14-64194336-G-A.
Identifiers: ClinVar variation 2644276 (VCV002644276.24), dbSNP rs150004807, ClinGen allele CA7218907.
Genomic context (GRCh38, chr14:63,727,618, plus strand): 5'-GTAGAGCGGCCAGTTGCTCACGCGGGCCAGCTGGCCCTCCTCGCCCGTCAGCGAGTTGCG[G>A]CGCAGAGCGCCCGCGCGCCGCGGCGAGGCCGGGCCCAGCTCGGCCGCCAGCCCGTTCCGC-3'
Protein context (NP_110418.1, residues 99-119): PASPRRAGAL[Arg109=]RNSLTGEEGQ